The following is an entry in ClinVar:

ClinVar aggregate classification (germline): Benign. Review status: criteria provided, multiple submitters, no conflicts (2 of 4 stars). 4 submissions from 4 submitters: Benign (4). Last evaluated 2026-02-04.

Conditions:
Knobloch syndrome (KNO). Also called: RETINAL DETACHMENT AND OCCIPITAL ENCEPHALOCELE; Myopia retinal detachment encephalocele. Identifiers: Orphanet 1571, MedGen C1849409, MONDO:0800166.

Allele frequency attached by ClinVar (database versions not stated): gnomAD exomes 0.08212; ExAC 0.08763; gnomAD 0.12309 and 0.12399; ESP Exome Variant Server 0.12962; TOPMed 0.13274; 1000 Genomes Project 30x 0.15443; 1000 Genomes Project 0.15595.
gnomAD v4.1: 127,087 of 1,614,008 alleles (7.9%); highest among the groups gnomAD compares: African/African-American, 27%; 7,121 homozygotes.

Submissions (4):

Labcorp Genetics (formerly Invitae), Labcorp
Classification: Benign. Last evaluated: 2026-02-04. Review status: criteria provided, single submitter. Criteria: Invitae Variant Classification Sherloc (09022015). Collection method: clinical testing. Allele origin: germline.

GeneDx
Classification: Benign. Last evaluated: 2021-05-04. Review status: criteria provided, single submitter. Criteria: GeneDx Variant Classification Process June 2021. Collection method: clinical testing. Allele origin: germline. Affected: yes.

Illumina Laboratory Services, Illumina
Classification: Benign for Knobloch syndrome 1. Last evaluated: 2018-01-12. Review status: criteria provided, single submitter. Criteria: ICSL Variant Classification Criteria 13 December 2019. Collection method: clinical testing. Allele origin: germline.
Comment: This variant was observed in the ICSL laboratory as part of a predisposition screen in an ostensibly healthy population. It had not been previously curated by ICSL or reported in the Human Gene Mutation Database (HGMD: prior to June 1st, 2018), and was therefore a candidate for classification through an automated scoring system. Utilizing variant allele frequency, disease prevalence and penetrance estimates, and inheritance mode, an automated score was calculated to assess if this variant is too frequent to cause the disease. Based on the score and internal cut-off values, a variant classified as benign is not then subjected to further curation. The score for this variant resulted in a classification of benign for this disease.

Breakthrough Genomics
Classification: Benign. Review status: criteria provided, single submitter. Criteria: ACMG Guidelines, 2015. Collection method: not provided. Allele origin: germline. Inheritance: Autosomal recessive inheritance. Affected: yes.

NM_001379500.1(COL18A1):c.1428C>T (p.Phe476=)

Gene: COL18A1 (collagen type XVIII alpha 1 chain; plus strand). Cytogenetic location: 21q22.3.
Variant type: single nucleotide variant.
Coding change: c.1428C>T on transcript NM_001379500.1 (MANE Select); coding-DNA position 1428, C replaced by T.
Protein change: p.Phe476=; no amino-acid change (phenylalanine 476 retained).
Molecular consequence: synonymous variant.
Genome position (GRCh38, 1-based): chr21:45,480,496, C>T. VCF-style: chr21-45480496-C-T. GRCh37 (hg19) VCF-style: chr21-46900410-C-T.
Other names: NM_130445.2:c.1428C>T; c.1968C>T, p.Phe656= (NM_030582.4); c.2673C>T, p.Phe891= (NM_130444.3).
Identifiers: ClinVar variation 340221 (VCV000340221.16), dbSNP rs2236467, ClinGen allele CA10066316.